The following is an entry in ClinVar:

ClinVar aggregate classification (germline): Uncertain significance (1 of 4 stars; one submission).

Conditions:
Mucopolysaccharidosis type 1. Also called: IDUA deficiency; MPS I; Mucopolysaccharidosis Type I. Identifiers: Orphanet 579, MedGen C0023786, MONDO:0001586.

Submission:

Labcorp Genetics (formerly Invitae), Labcorp
Classification: Uncertain significance for Mucopolysaccharidosis type 1. Last evaluated: 2022-02-24. Review status: criteria provided, single submitter. Criteria: Invitae Variant Classification Sherloc (09022015). Collection method: clinical testing. Allele origin: germline.
Comment: In summary, the available evidence is currently insufficient to determine the role of this variant in disease. Therefore, it has been classified as a Variant of Uncertain Significance. Algorithms developed to predict the effect of missense changes on protein structure and function are either unavailable or do not agree on the potential impact of this missense change (SIFT: "Tolerated"; PolyPhen-2: "Not Available"; Align-GVGD: "Class C0"). ClinVar contains an entry for this variant (Variation ID: 939161). This variant has not been reported in the literature in individuals affected with IDUA-related conditions. This variant is not present in population databases (gnomAD no frequency). This sequence change replaces alanine, which is neutral and non-polar, with glycine, which is neutral and non-polar, at codon 9 of the IDUA protein (p.Ala9Gly).

NM_000203.5(IDUA):c.26C>G (p.Ala9Gly)

Genes: IDUA (alpha-L-iduronidase; plus strand), SLC26A1 (solute carrier family 26 member 1; minus strand). Cytogenetic location: 4p16.3.
Variant type: single nucleotide variant.
Coding change: c.26C>G on transcript NM_000203.5 (MANE Select); coding-DNA position 26, C replaced by G.
Protein change: p.Ala9Gly; replaces alanine 9 with glycine.
Molecular consequence: missense variant. On other transcripts: non-coding transcript variant (1), intron variant (1).
Genome position (GRCh38, 1-based): chr4:987,110, C>G. VCF-style: chr4-987110-C-G. GRCh37 (hg19) VCF-style: chr4-980898-C-G.
Other names: c.576+4018G>C (NM_134425.4); short protein forms A9G.
Identifiers: ClinVar variation 939161 (VCV000939161.10), dbSNP rs1369414449, ClinGen allele CA355945280.